The following is an entry in ClinVar:

NM_001377.3(DYNC2H1):c.2993G>A (p.Arg998Gln)

Gene: DYNC2H1 (dynein cytoplasmic 2 heavy chain 1; plus strand). Cytogenetic location: 11q22.3.
Variant type: single nucleotide variant.
Coding change: c.2993G>A on transcript NM_001377.3 (MANE Select); coding-DNA position 2993, G replaced by A.
Protein change: p.Arg998Gln; replaces arginine 998 with glutamine.
Molecular consequence: missense variant.
Genome position (GRCh38, 1-based): chr11:103,152,182, G>A. VCF-style: chr11-103152182-G-A. GRCh37 (hg19) VCF-style: chr11-103022911-G-A.
Other names: c.2993G>A, p.Arg998Gln (NM_001080463.2); c.2993G>A (NM_001080463.1); short protein forms R998Q.
Identifiers: ClinVar variation 1380515 (VCV001380515.5), dbSNP rs372269011, ClinGen allele CA6253231.
Genomic context (GRCh38, chr11:103,152,182, plus strand): 5'-TTTTTAACCTTTAGATTTTGCCCTTATTTCAAGAAGCTGAAGACAAAAACAGACTTTTAC[G>A]AACTGTGGCTGGTGGAGGTTTAGAAACAATTAGTAATTTGAAAGCCAAGTGGGATAAATT-3'
Protein context (NP_001368.2, residues 988-1008): QEAEDKNRLL[Arg998Gln]TVAGGGLETI

ClinVar aggregate classification (germline): Uncertain significance. Review status: criteria provided, multiple submitters, no conflicts (2 of 4 stars). 2 submissions from 2 submitters: Uncertain significance (2). Last evaluated 2025-01-06.

Conditions:
Inborn genetic diseases. Identifiers: MedGen C0950123, MeSH D030342.
Jeune thoracic dystrophy. Also called: Short-rib thoracic dysplasia; Jeune syndrome; Infantile thoracic dystrophy; Thoracic pelvic phalangeal dystrophy; Jeune's syndrome; Chondroectodermal dysplasia-like syndrome. Identifiers: Orphanet 474, MedGen C0265275, MONDO:0018770.

Allele frequency attached by ClinVar (database versions not stated): ExAC 0.00001; gnomAD exomes 0.00002; gnomAD 0.00003; ESP Exome Variant Server 0.00009.
gnomAD v4.1: 31 of 1,605,270 alleles (0.0019%); highest among the groups gnomAD compares: African/African-American, 0.014%; no homozygotes.

Submissions (2):

Labcorp Genetics (formerly Invitae), Labcorp
Classification: Uncertain significance for Jeune thoracic dystrophy. Last evaluated: 2025-01-06. Review status: criteria provided, single submitter. Criteria: Invitae Variant Classification Sherloc (09022015). Collection method: clinical testing. Allele origin: germline.
Comment: This sequence change replaces arginine, which is basic and polar, with glutamine, which is neutral and polar, at codon 998 of the DYNC2H1 protein (p.Arg998Gln). This variant is present in population databases (rs372269011, gnomAD 0.01%). This variant has not been reported in the literature in individuals affected with DYNC2H1-related conditions. ClinVar contains an entry for this variant (Variation ID: 1380515). Invitae Evidence Modeling of protein sequence and biophysical properties (such as structural, functional, and spatial information, amino acid conservation, physicochemical variation, residue mobility, and thermodynamic stability) has been performed for this missense variant. However, the output from this modeling did not meet the statistical confidence thresholds required to predict the impact of this variant on DYNC2H1 protein function. In summary, the available evidence is currently insufficient to determine the role of this variant in disease. Therefore, it has been classified as a Variant of Uncertain Significance.

Ambry Genetics
Classification: Uncertain significance for Inborn genetic diseases. Last evaluated: 2024-08-15. Review status: criteria provided, single submitter. Criteria: Ambry Variant Classification Scheme 2023. Collection method: clinical testing. Allele origin: germline.